The following is an entry in ClinVar:

NM_004409.5(DMPK):c.*224CTG[505]

Genes: DM1-AS (DM1 locus antisense RNA; plus strand), DMPK (DM1 protein kinase; minus strand), LOC107075317 (origin of replication in DMPK trinucleotide repeat region; plus strand), LOC109461477 (dystrophia myotonica protein kinase repeat instability region; plus strand). Cytogenetic location: 19q13.32.
Variant type: Microsatellite.
Coding change: c.*224CTG[505] on transcript NM_004409.5 (MANE Select); 505 copies in a row of the 3-base unit CTG starting at c.*224.
Molecular consequence: 3 prime UTR variant.
Genome position: GRCh38, VCF-style position (the base before the change): chr19:45,770,204. GRCh37 (hg19), VCF-style position (the base before the change): chr19:46,273,462.
Other names: DM1 CTG repeat expansion; c.*369CTG[505] (NM_001424168.1, NM_001288766.2, NM_001424164.1); c.*224CTG[505] (NM_001424169.1, NM_001424165.1, NM_001081560.3 and 1 more transcripts); c.*217CTG[505] (NM_001424166.1, NM_001081562.3, NM_001288765.2 and 2 more transcripts); c.*222_*224TGC[505] (NM_001081563.3).
Identifiers: ClinVar variation 187994 (VCV000187994.1), ClinGen allele CA915951816.

ClinVar aggregate classification (germline): Pathogenic (0 of 4 stars; one submission).

Conditions:
Steinert myotonic dystrophy syndrome (DM1). Also called: STEINERT DISEASE; Myotonic dystrophy type 1; Dystrophia myotonica type 1; Steinert myotonic dystrophy; Steinert's disease. Identifiers: Orphanet 273, MedGen C3250443, MONDO:0008056, OMIM 160900.

Submission:

Institute of Molecular, Cell and Systems Biology, University of Glasgow
Classification: Pathogenic for Steinert myotonic dystrophy syndrome. Review status: no assertion criteria provided. Criteria: research. Collection method: research. Allele origin: germline. Inheritance: Autosomal dominant inheritance. Affected: yes. Observed: 1 heterozygote.
Comment: DMPK CTG repeat expansions greater than approximately 45-50 repeats are assumed to be pathogenic

This record is based on data published in PubMed 25052313, which reports only ClinVar accessions SCV000120188 and SCV000120189. The complete data set includes SCV000207445 - SCV000207579.

Literature cited by the submitters: PubMed 1346923; PubMed 1546326; PubMed 25052313.